The following is an entry in ClinVar:

ClinVar aggregate classification (germline): Benign/Likely benign. Review status: criteria provided, multiple submitters, no conflicts (2 of 4 stars). 6 submissions from 5 submitters: Benign (2); Likely benign (3). 1 of the submissions does not count toward it. Last evaluated 2026-02-04.

Conditions:
Leber congenital amaurosis 15 (LCA15). Identifiers: Orphanet 65, MedGen C3151206, MONDO:0013457, OMIM 613843.
Retinitis pigmentosa (RP). Identifiers: Orphanet 791, MedGen C0035334, MeSH D012174, MONDO:0019200, OMIM 268000. Inheritance: Autosomal dominant, autosomal recessive and X linked inheritance.

Allele frequency attached by ClinVar (database versions not stated): ExAC 0.02220; 1000 Genomes Project 30x 0.02436; 1000 Genomes Project 0.02476; gnomAD 0.03061; TOPMed 0.03725; ESP Exome Variant Server 0.03990.
gnomAD v4.1: 43,601 of 1,614,108 alleles (2.7%); highest among the groups gnomAD compares: African/African-American, 6.4%; 728 homozygotes.

Submissions (6):

Labcorp Genetics (formerly Invitae), Labcorp
Classification: Benign. Last evaluated: 2026-02-04. Review status: criteria provided, single submitter. Criteria: Invitae Variant Classification Sherloc (09022015). Collection method: clinical testing. Allele origin: germline.

GeneDx
Classification: Benign. Last evaluated: 2022-01-21. Review status: criteria provided, single submitter. Criteria: GeneDx Variant Classification Process June 2021. Collection method: clinical testing. Allele origin: germline. Affected: yes.

Illumina Laboratory Services, Illumina
Classification: Likely benign for Leber congenital amaurosis 15. Last evaluated: 2018-01-13. Review status: criteria provided, single submitter. Criteria: ICSL Variant Classification Criteria 13 December 2019. Collection method: clinical testing. Allele origin: germline.
Comment: This variant was observed in the ICSL laboratory as part of a predisposition screen in an ostensibly healthy population. It had not been previously curated by ICSL or reported in the Human Gene Mutation Database (HGMD: prior to June 1st, 2018), and was therefore a candidate for classification through an automated scoring system. Utilizing variant allele frequency, disease prevalence and penetrance estimates, and inheritance mode, an automated score was calculated to assess if this variant is too frequent to cause the disease. Based on the score and internal cut-off values, a variant classified as likely benign is not then subjected to further curation. The score for this variant resulted in a classification of likely benign for this disease.

Illumina Laboratory Services, Illumina
Classification: Likely benign for Retinitis pigmentosa. Last evaluated: 2018-01-13. Review status: criteria provided, single submitter. Criteria: ICSL Variant Classification Criteria 13 December 2019. Collection method: clinical testing. Allele origin: germline.
Comment: the same text as in the submission from Illumina Laboratory Services, Illumina above.

Breakthrough Genomics
Classification: Likely benign. Review status: criteria provided, single submitter. Criteria: ACMG Guidelines, 2015. Collection method: not provided. Allele origin: germline. Inheritance: Autosomal recessive inheritance. Affected: yes.

Retina International
No classification provided. Review status: no classification provided. Collection method: not provided. Allele origin: not provided. Not counted in ClinVar's aggregate classification.

NM_003322.6(TULP1):c.1362G>A (p.Thr454=)

Gene: TULP1 (TUB like protein 1; minus strand). Cytogenetic location: 6p21.31.
Variant type: single nucleotide variant.
Coding change: c.1362G>A on transcript NM_003322.6 (MANE Select); coding-DNA position 1362, G replaced by A.
Protein change: p.Thr454=; no amino-acid change (threonine 454 retained).
Molecular consequence: synonymous variant.
Genome position (GRCh38, 1-based): chr6:35,500,114, C>T on the plus strand (G>A on the coding strand, the complement: TULP1 is on the minus strand). VCF-style: chr6-35500114-C-T. GRCh37 (hg19) VCF-style: chr6-35467891-C-T.
Other names: c.1203G>A, p.Thr401= (NM_001289395.2).
Identifiers: ClinVar variation 99661 (VCV000099661.15), dbSNP rs41270076, ClinGen allele CA227701.
Genomic context (GRCh38, chr6:35,500,114, plus strand): 5'-GGAGCCACTGTCATCGTTCCAGACAGGTGGCTTGTTGTGCAGTTCTATGAGGCTCTCCAG[C>T]GTCTTGTTCTGCCAGCGCACCAGCAGGCCGTCACTAGCCTGGGGTGCCCCAGGGGAGTAG-3'
Protein context (NP_003313.3, residues 444-464): DGLLVRWQNK[Thr454=]LESLIELHNK